The following is an entry in ClinVar:

NM_000532.5(PCCB):c.95C>T (p.Ala32Val)

Gene: PCCB (propionyl-CoA carboxylase subunit beta; plus strand). Cytogenetic location: 3q22.3.
Variant type: single nucleotide variant.
Coding change: c.95C>T on transcript NM_000532.5 (MANE Select); coding-DNA position 95, C replaced by T.
Protein change: p.Ala32Val; replaces alanine 32 with valine.
Molecular consequence: missense variant.
Genome position (GRCh38, 1-based): chr3:136,250,470, C>T. VCF-style: chr3-136250470-C-T. GRCh37 (hg19) VCF-style: chr3-135969312-C-T.
Other names: c.95C>T, p.Ala32Val (NM_001178014.2); short protein forms A32V.
Identifiers: ClinVar variation 1464514 (VCV001464514.4), dbSNP rs2108127907, ClinGen allele CA354737978.

ClinVar aggregate classification (germline): Uncertain significance (1 of 4 stars; one submission).

Conditions:
Propionic acidemia (PROP). Also called: GLYCINEMIA, KETOTIC; HYPERGLYCINEMIA WITH KETOACIDOSIS AND LEUKOPENIA; KETOTIC HYPERGLYCINEMIA. Identifiers: Orphanet 35, MedGen C0268579, MONDO:0011628, OMIM 606054, HP:0003571.

Allele frequency attached by ClinVar (database versions not stated): gnomAD exomes below 0.00001.
gnomAD v4.1: 1 of 1,611,376 alleles (0.000062%); highest among the groups gnomAD compares: Non-Finnish European, 0.000085%; no homozygotes.

Submission:

Labcorp Genetics (formerly Invitae), Labcorp
Classification: Uncertain significance for Propionic acidemia. Last evaluated: 2021-10-17. Review status: criteria provided, single submitter. Criteria: Invitae Variant Classification Sherloc (09022015). Collection method: clinical testing. Allele origin: germline.
Comment: Advanced modeling of protein sequence and biophysical properties (such as structural, functional, and spatial information, amino acid conservation, physicochemical variation, residue mobility, and thermodynamic stability) performed at Invitae indicates that this missense variant is not expected to disrupt PCCB protein function. This variant has not been reported in the literature in individuals affected with PCCB-related conditions. This variant is not present in population databases (ExAC no frequency). This sequence change replaces alanine with valine at codon 32 of the PCCB protein (p.Ala32Val). The alanine residue is weakly conserved and there is a small physicochemical difference between alanine and valine. Algorithms developed to predict the effect of sequence changes on RNA splicing suggest that this variant may create or strengthen a splice site. In summary, the available evidence is currently insufficient to determine the role of this variant in disease. Therefore, it has been classified as a Variant of Uncertain Significance.